The following is an entry in ClinVar:

ClinVar aggregate classification (germline): Uncertain significance (1 of 4 stars; one submission).

Conditions:
Hereditary cancer-predisposing syndrome. Also called: Neoplastic Syndromes, Hereditary; Tumor predisposition; Hereditary neoplastic syndrome; Hereditary Cancer Syndrome. Identifiers: Orphanet 140162, MedGen C0027672, MeSH D009386, MONDO:0015356.

Allele frequency attached by ClinVar (database versions not stated): gnomAD exomes below 0.00001.
gnomAD v4.1: 1 of 1,610,322 alleles (0.000062%); highest among the groups gnomAD compares: Non-Finnish European, 0.000085%; no homozygotes.

Submission:

Ambry Genetics
Classification: Uncertain significance for Hereditary cancer-predisposing syndrome. Last evaluated: 2023-11-30. Review status: criteria provided, single submitter. Criteria: Ambry Variant Classification Scheme 2023. Collection method: clinical testing. Allele origin: germline.
Comment: The p.R220K variant (also known as c.659G>A), located in coding exon 6 of the APC gene, results from a G to A substitution at nucleotide position 659. The arginine at codon 220 is replaced by lysine, an amino acid with highly similar properties. This amino acid position is highly conserved in available vertebrate species. In addition, in silico predictors for this gene do not accurately predict pathogenicity. Since supporting evidence is limited at this time, the clinical significance of this alteration remains unclear.

NM_000038.6(APC):c.659G>A (p.Arg220Lys)

Gene: APC (APC regulator of Wnt signaling pathway; plus strand). Cytogenetic location: 5q22.2.
Variant type: single nucleotide variant.
Coding change: c.659G>A on transcript NM_000038.6 (MANE Select); coding-DNA position 659, G replaced by A.
Protein change: p.Arg220Lys; replaces arginine 220 with lysine.
Molecular consequence: missense variant. On other transcripts: 5 prime UTR variant (4), non-coding transcript variant (2), intron variant (5).
Genome position (GRCh38, 1-based): chr5:112,792,459, G>A. VCF-style: chr5-112792459-G-A. GRCh37 (hg19) VCF-style: chr5-112128156-G-A.
Other names: c.659G>A, p.Arg220Lys (NM_001127510.3, NM_001354895.2, NM_001354896.2 and 12 more transcripts); c.689G>A, p.Arg230Lys (NM_001354897.2, NM_001354902.2, NM_001407446.1); c.584G>A, p.Arg195Lys (NM_001354898.2, NM_001354904.2, NM_001407451.1); c.482G>A, p.Arg161Lys (NM_001354900.2, NM_001354901.2, NM_001354905.2 and 1 more transcripts); c.-377G>A (NM_001354906.2, NM_001407470.1, NM_001407471.1 and 1 more transcripts); c.646-8820G>A (NM_001407452.1, NM_001407469.1, NM_001354899.2 and 1 more transcripts); c.676-8820G>A (NM_001127511.3); short protein forms R161K, R195K, R220K, R230K.
Identifiers: ClinVar variation 3230930 (VCV003230930.1), dbSNP rs2149684126, ClinGen allele CA16022773.